The following is an entry in ClinVar:

NM_016148.5(SHANK1):c.3181G>A (p.Ala1061Thr)

Gene: SHANK1 (SH3 and multiple ankyrin repeat domains 1; minus strand). Cytogenetic location: 19q13.33.
Variant type: single nucleotide variant.
Coding change: c.3181G>A on transcript NM_016148.5 (MANE Select); coding-DNA position 3181, G replaced by A.
Protein change: p.Ala1061Thr; replaces alanine 1061 with threonine.
Molecular consequence: missense variant.
Genome position (GRCh38, 1-based): chr19:50,668,779, C>T on the plus strand (G>A on the coding strand, the complement: SHANK1 is on the minus strand). VCF-style: chr19-50668779-C-T. GRCh37 (hg19) VCF-style: chr19-51172036-C-T.
Other names: short protein forms A1061T.
Identifiers: ClinVar variation 2505186 (VCV002505186.1), dbSNP rs540872535, ClinGen allele CA309627717.
Genomic context (GRCh38, chr19:50,668,779, plus strand): 5'-CCGGGCCCTGGGAGGAGCCGCCGCCCCCGCCCGCGCTGCCGTGGTGCGATGGGGACGGGG[C>T]CCCCGGGGTCGGGCTGGGCCCGCCGCCCCTCCAGCCTCGCAGGCTGGGCTGGGGCCCCAG-3'
Protein context (NP_057232.2, residues 1051-1071): RGGGPSPTPG[Ala1061Thr]PSPSHHGSAG

ClinVar aggregate classification (germline): Uncertain significance (1 of 4 stars; one submission).

Allele frequency attached by ClinVar (database versions not stated): gnomAD 0.00001; gnomAD exomes 0.00001; TOPMed 0.00002; 1000 Genomes Project 30x 0.00016; 1000 Genomes Project 0.00020.
gnomAD v4.1: 14 of 1,268,746 alleles (0.0011%); highest among the groups gnomAD compares: Middle Eastern, 0.03%; no homozygotes.

Submission:

Greenwood Genetic Center Diagnostic Laboratories, Greenwood Genetic Center
Classification: Uncertain significance. Last evaluated: 2023-02-24. Review status: criteria provided, single submitter. Criteria: ACMG Guidelines, 2015. Collection method: clinical testing. Allele origin: germline. Affected: yes.
Comment: PM2, PP2